The following is an entry in ClinVar:

NM_000256.3(MYBPC3):c.2067G>T (p.Gln689His)

Gene: MYBPC3 (myosin binding protein C3; minus strand). Cytogenetic location: 11p11.2.
Variant type: single nucleotide variant.
Coding change: c.2067G>T on transcript NM_000256.3 (MANE Select); coding-DNA position 2067, G replaced by T.
Protein change: p.Gln689His; replaces glutamine 689 with histidine.
Molecular consequence: missense variant.
Genome position (GRCh38, 1-based): chr11:47,339,651, C>A on the plus strand (G>T on the coding strand, the complement: MYBPC3 is on the minus strand). VCF-style: chr11-47339651-C-A. GRCh37 (hg19) VCF-style: chr11-47361202-C-A.
Other names: short protein forms Q689H.
Identifiers: ClinVar variation 1785309 (VCV001785309.7), dbSNP rs2495755882, ClinGen allele CA380321287.

ClinVar aggregate classification (germline): Uncertain significance. Review status: criteria provided, multiple submitters, no conflicts (2 of 4 stars). 2 submissions from 2 submitters: Uncertain significance (2). Last evaluated 2022-07-19.

Conditions:
Hypertrophic cardiomyopathy. Also called: HYPERTROPHIC MYOCARDIOPATHY. Identifiers: Orphanet 217569, MedGen C0007194, MeSH D002312, MONDO:0005045, HP:0001639.
Cardiovascular phenotype. Identifiers: MedGen CN230736.

Allele frequency attached by ClinVar (database versions not stated): gnomAD exomes below 0.00001.
gnomAD v4.1: 1 of 1,591,458 alleles (0.000063%); highest among the groups gnomAD compares: Non-Finnish European, 0.000086%; no homozygotes.

Submissions (2):

Labcorp Genetics (formerly Invitae), Labcorp
Classification: Uncertain significance for Hypertrophic cardiomyopathy. Last evaluated: 2022-07-19. Review status: criteria provided, single submitter. Criteria: Invitae Variant Classification Sherloc (09022015). Collection method: clinical testing. Allele origin: germline.
Comment: In summary, the available evidence is currently insufficient to determine the role of this variant in disease. Therefore, it has been classified as a Variant of Uncertain Significance. Variants that disrupt the consensus splice site are a relatively common cause of aberrant splicing (PMID: 17576681, 9536098). Algorithms developed to predict the effect of sequence changes on RNA splicing suggest that this variant may disrupt the consensus splice site. Algorithms developed to predict the effect of missense changes on protein structure and function (SIFT, PolyPhen-2, Align-GVGD) all suggest that this variant is likely to be tolerated. This missense change has been observed in individual(s) with hypertrophic cardiomyopathy (PMID: 20689143, 20800588). This variant is not present in population databases (gnomAD no frequency). This sequence change replaces glutamine, which is neutral and polar, with histidine, which is basic and polar, at codon 689 of the MYBPC3 protein (p.Gln689His). This variant also falls at the last nucleotide of exon 21, which is part of the consensus splice site for this exon.

Ambry Genetics
Classification: Uncertain significance for Cardiovascular phenotype. Last evaluated: 2021-01-29. Review status: criteria provided, single submitter. Criteria: Ambry Variant Classification Scheme 2023. Collection method: clinical testing. Allele origin: germline.
Comment: The c.2067G>T variant (also known as p.Q689H), located in coding exon 21 of the MYBPC3 gene, results from a G to T substitution at nucleotide position 2067. The glutamine at codon 689 is replaced by histidine, an amino acid with highly similar properties. However, this change occurs in the last base pair of coding exon 21, which makes it likely to have some effect on normal mRNA splicing. This variant was detected in an individual with a clinical diagnosis of hypertrophic cardiomyopathy (HCM) and in four of this individual's relatives; two relatives had cardiac findings and two were unaffected (Brion M et al. Ann Clin Lab Sci, 2010;40:285-9). This nucleotide position is highly conserved in available vertebrate species. In silico splice site analysis predicts that this alteration may weaken the native splice donor site and will result in the creation or strengthening of a novel splice donor site. In addition, as a missense substitution this is predicted to be inconclusive by in silico analysis. Since supporting evidence is limited at this time, the clinical significance of this alteration remains unclear.

Literature cited by the submitters: PubMed 17576681 (cited by Labcorp Genetics (formerly Invitae), Labcorp); PubMed 9536098 (cited by Labcorp Genetics (formerly Invitae), Labcorp); PubMed 20689143 (cited by Labcorp Genetics (formerly Invitae), Labcorp and Ambry Genetics); PubMed 20800588 (cited by Labcorp Genetics (formerly Invitae), Labcorp).